The following is an entry in ClinVar:

ClinVar aggregate classification (germline): Uncertain significance. Review status: criteria provided, multiple submitters, no conflicts (2 of 4 stars). 2 submissions from 2 submitters: Uncertain significance (2). Last evaluated 2026-01-09.

Allele frequency attached by ClinVar (database versions not stated): ExAC 0.00003.
gnomAD v4.1: 3 of 1,211,435 alleles (0.00025%); highest among the groups gnomAD compares: Non-Finnish European, 0.00034%; no homozygotes.

Submissions (2):

Ambry Genetics
Classification: Uncertain significance. Last evaluated: 2026-01-09. Review status: criteria provided, single submitter. Criteria: Ambry Variant Classification Scheme 2023. Collection method: clinical testing. Allele origin: germline.
Comment: The c.1055G>A (p.S352N) alteration is located in exon 3 (coding exon 2) of the KIAA2022 gene. This alteration results from a G to A substitution at nucleotide position 1055, causing the serine (S) at amino acid position 352 to be replaced by an asparagine (N). Based on data from gnomAD, the A allele has an overall frequency of 0.002% (3/182642) total alleles studied. The highest observed frequency was 0.004% (3/81280) of European (non-Finnish) alleles. Based on insufficient or conflicting evidence, the clinical significance of this alteration remains unclear.

Labcorp Genetics (formerly Invitae), Labcorp
Classification: Uncertain significance. Last evaluated: 2023-05-25. Review status: criteria provided, single submitter. Criteria: Invitae Variant Classification Sherloc (09022015). Collection method: clinical testing. Allele origin: germline.
Comment: In summary, the available evidence is currently insufficient to determine the role of this variant in disease. Therefore, it has been classified as a Variant of Uncertain Significance. Algorithms developed to predict the effect of missense changes on protein structure and function output the following: SIFT: "Not Available"; PolyPhen-2: "Benign"; Align-GVGD: "Not Available". The asparagine amino acid residue is found in multiple mammalian species, which suggests that this missense change does not adversely affect protein function. This variant has not been reported in the literature in individuals affected with NEXMIF-related conditions. This variant is present in population databases (rs780737990, gnomAD 0.004%), including at least one homozygous and/or hemizygous individual. This sequence change replaces serine, which is neutral and polar, with asparagine, which is neutral and polar, at codon 352 of the NEXMIF protein (p.Ser352Asn).

NM_001008537.3(NEXMIF):c.1055G>A (p.Ser352Asn)

Gene: NEXMIF (neurite extension and migration factor; minus strand). Cytogenetic location: Xq13.3.
Variant type: single nucleotide variant.
Coding change: c.1055G>A on transcript NM_001008537.3 (MANE Select); coding-DNA position 1055, G replaced by A.
Protein change: p.Ser352Asn; replaces serine 352 with asparagine.
Molecular consequence: missense variant.
Genome position (GRCh38, 1-based): chrX:74,743,502, C>T on the plus strand (G>A on the coding strand, the complement: NEXMIF is on the minus strand). VCF-style: chrX-74743502-C-T. GRCh37 (hg19) VCF-style: chrX-73963337-C-T.
Other names: c.1055G>A (NM_001008537.2); short protein forms S352N.
Identifiers: ClinVar variation 2983446 (VCV002983446.4), dbSNP rs780737990, ClinGen allele CA10455158.